The following is an entry in ClinVar:

ClinVar aggregate classification (germline): Uncertain significance (1 of 4 stars; one submission).

Conditions:
Familial thoracic aortic aneurysm and aortic dissection (TAAD). Also called: Thoracic aortic aneurysms and dissections. Identifiers: Orphanet 91387, MedGen C4707243, MONDO:0019625.

Submission:

All of Us Research Program, National Institutes of Health
Classification: Uncertain significance for Familial thoracic aortic aneurysm and aortic dissection. Last evaluated: 2024-05-14. Review status: criteria provided, single submitter. Criteria: ACMG Guidelines, 2015. Collection method: clinical testing. Allele origin: germline. Inheritance: Autosomal dominant inheritance. Observed: 1 variant allele, 1 heterozygote.
Comment: This missense variant replaces arginine with glycine at codon 1008 of the MYH11 protein. Computational prediction is inconclusive regarding the impact of this variant on protein structure and function (internally defined REVEL score threshold 0.5 < inconclusive < 0.7, PMID: 27666373). To our knowledge, functional studies have not been reported for this variant. This variant has not been reported in individuals affected with MYH11-related disorders in the literature. This variant has not been identified in the general population by the Genome Aggregation Database (gnomAD). The available evidence is insufficient to determine the role of this variant in disease conclusively. Therefore, this variant is classified as a Variant of Uncertain Significance.

This study involves interpretation of variants in research participants for the purpose of population health screening. Participant phenotype was not available at the time of variant classification. Additional details can be found in publication PMID: 35346344, PMCID: PMC8962531

NM_002474.3(MYH11):c.3001C>G (p.Arg1001Gly)

Gene: MYH11 (myosin heavy chain 11; minus strand). Cytogenetic location: 16p13.11.
Variant type: single nucleotide variant.
Coding change: c.3001C>G on transcript NM_002474.3 (MANE Select); coding-DNA position 3001, C replaced by G.
Protein change: p.Arg1001Gly; replaces arginine 1001 with glycine.
Molecular consequence: missense variant.
Genome position (GRCh38, 1-based): chr16:15,738,685, G>C on the plus strand (C>G on the coding strand, the complement: MYH11 is on the minus strand). VCF-style: chr16-15738685-G-C. GRCh37 (hg19) VCF-style: chr16-15832542-G-C.
Other names: c.3022C>G, p.Arg1008Gly (NM_001040113.2, NM_001040114.2); c.3001C>G, p.Arg1001Gly (NM_022844.3); short protein forms R1001G, R1008G.
Identifiers: ClinVar variation 3387205 (VCV003387205.1).
Genomic context (GRCh38, chr16:15,738,685, plus strand): 5'-TTTCTTCCTCTTCTGCAAGATTTGTCGTTAAGTCACTAATCCTCTCCTCAAGGAGTTTTC[G>C]TTCCTTTTTGGGGAAAGAGAAAGAGATAGCTTTAGGATTTTTCTTTTCTCTAGAATCTAT-3'
Protein context (NP_002465.1, residues 991-1011): DDQNNKLSKE[Arg1001Gly]KLLEERISDL